The following is an entry in ClinVar:

ClinVar aggregate classification (germline): Likely benign (1 of 4 stars; one submission).

Submission:

Laboratory for Molecular Medicine, Mass General Brigham Personalized Medicine
Classification: Likely benign. Last evaluated: 2013-12-13. Review status: criteria provided, single submitter. Criteria: LMM Criteria. Collection method: clinical testing. Allele origin: germline. Observed: 2 variant alleles.
Comment: m.990T>C in MT-RNR1: The m.990T>C variant has been previously reported in 2/908 (0.2%) individuals with hearing loss and was not detected in 849 controls in tho se studies (Konings 2008, Shen 2011). However, it has been identified in 1.89% ( 19/1008) of individuals from broad populations by several human phylogeny studie s. Therefore, in the absence of any statistically significant asso ciation to hearing loss, the frequency of this variant in the general population , as evidenced by the phylogeny studies, suggests that it is likely benign.

Literature cited by the submitters: PubMed 18790089; PubMed 21205314.

NC_012920.1(MT-RNR1):m.990T>C

Gene: MT-RNR1 (mitochondrially encoded 12S RNA; plus strand).
Variant type: single nucleotide variant.
Genome position: chrM-990-T-C.
Identifiers: ClinVar variation 163989 (VCV000163989.4), dbSNP rs727503165, ClinGen allele CA176744.
Genomic context (GRCh38, chrMT:990, plus strand): 5'-GCCGGCGTAAAGAGTGTTTTAGATCACCCCCTCCCCAATAAAGCTAAAACTCACCTGAGT[T>C]GTAAAAAACTCCAGTTGACACAAAATAGACTACGAAAGTGGCTTTAACATATCTGAACAC-3'